The following is an entry in ClinVar:

ClinVar aggregate classification (germline): Uncertain significance (1 of 4 stars; one submission).

Conditions:
Epidermolysis bullosa simplex 5B, with muscular dystrophy (EBS5B). Also called: Epidermolysis bullosa simplex with muscular dystrophy; EPIDERMOLYSIS BULLOSA SIMPLEX AND LIMB-GIRDLE MUSCULAR DYSTROPHY. Identifiers: Orphanet 257, MedGen C2931072, MONDO:0009181, OMIM 226670.
Epidermolysis bullosa simplex 5C, with pyloric atresia (EBS5C). Also called: Epidermolysis bullosa simplex with pyloric atresia; PLEC-Related Epidermolysis Bullosa with Pyloric Atresia; PLEC1-Related Epidermolysis Bullosa with Pyloric Atresia. Identifiers: Orphanet 158684, MedGen C2677349, MONDO:0012807, OMIM 612138.
Epidermolysis bullosa simplex, Ogna type (EBS5A). Also called: Pidermolysis bullosa simplex 5A, Ogna type; EPIDERMOLYSIS BULLOSA SIMPLEX 5A, OGNA TYPE. Identifiers: Orphanet 79401, MedGen C0432317, MONDO:0007555, OMIM 131950.
Autosomal recessive limb-girdle muscular dystrophy type 2Q (LGMDR17). Also called: MUSCULAR DYSTROPHY, LIMB-GIRDLE, AUTOSOMAL RECESSIVE 17. Identifiers: Orphanet 254361, MedGen C3150989, MONDO:0013390, OMIM 613723.
Epidermolysis bullosa simplex with nail dystrophy (EBS5D). Identifiers: MedGen C4225309, MONDO:0014661, OMIM 616487.

Allele frequency attached by ClinVar (database versions not stated): gnomAD exomes below 0.00001 and 0.00001.
gnomAD v4.1: 20 of 1,611,330 alleles (0.0012%); highest among the groups gnomAD compares: Admixed American, 0.0017%; no homozygotes.

Submission:

Labcorp Genetics (formerly Invitae), Labcorp
Classification: Uncertain significance for Autosomal recessive limb-girdle muscular dystrophy type 2Q; Epidermolysis bullosa simplex, Ogna type; Epidermolysis bullosa simplex with nail dystrophy; Epidermolysis bullosa simplex 5C, with pyloric atresia; Epidermolysis bullosa simplex 5B, with muscular dystrophy. Last evaluated: 2020-05-04. Review status: criteria provided, single submitter. Criteria: Invitae Variant Classification Sherloc (09022015). Collection method: clinical testing. Allele origin: germline.
Comment: Algorithms developed to predict the effect of missense changes on protein structure and function output the following: SIFT: "Tolerated"; PolyPhen-2: "Benign"; Align-GVGD: "Class C0". The arginine amino acid residue is found in multiple mammalian species, suggesting that this missense change does not adversely affect protein function. These predictions have not been confirmed by published functional studies and their clinical significance is uncertain. This sequence change replaces lysine with arginine at codon 3127 of the PLEC protein (p.Lys3127Arg). The lysine residue is moderately conserved and there is a small physicochemical difference between lysine and arginine. This variant is not present in population databases (ExAC no frequency). This variant has not been reported in the literature in individuals with PLEC-related conditions. In summary, the available evidence is currently insufficient to determine the role of this variant in disease. Therefore, it has been classified as a Variant of Uncertain Significance.

NM_201384.3(PLEC):c.9299A>G (p.Lys3100Arg)

Gene: PLEC (plectin; minus strand). Cytogenetic location: 8q24.3.
Variant type: single nucleotide variant.
Coding change: c.9299A>G on transcript NM_201384.3 (MANE Select); coding-DNA position 9299, A replaced by G.
Protein change: p.Lys3100Arg; replaces lysine 3100 with arginine.
Molecular consequence: missense variant.
Genome position (GRCh38, 1-based): chr8:143,920,522, T>C on the plus strand (A>G on the coding strand, the complement: PLEC is on the minus strand). VCF-style: chr8-143920522-T-C. GRCh37 (hg19) VCF-style: chr8-144994690-T-C.
Other names: c.9380A>G, p.Lys3127Arg (NM_000445.5); c.9257A>G, p.Lys3086Arg (NM_201378.4); c.9233A>G, p.Lys3078Arg (NM_201379.3); c.9710A>G, p.Lys3237Arg (NM_201380.4); c.9203A>G, p.Lys3068Arg (NM_201381.3); c.9299A>G, p.Lys3100Arg (NM_201382.4); c.9311A>G, p.Lys3104Arg (NM_201383.3); short protein forms K3068R, K3078R, K3086R, K3100R, K3104R, K3127R, K3237R.
Identifiers: ClinVar variation 1053703 (VCV001053703.9), dbSNP rs1554682103, ClinGen allele CA372510867.